The following is an entry in ClinVar:

NM_000238.4(KCNH2):c.1910A>G (p.Glu637Gly)

Gene: KCNH2 (potassium voltage-gated channel subfamily H member 2; minus strand). Cytogenetic location: 7q36.1.
Variant type: single nucleotide variant.
Coding change: c.1910A>G on transcript NM_000238.4 (MANE Select); coding-DNA position 1910, A replaced by G.
Protein change: p.Glu637Gly; replaces glutamic acid 637 with glycine.
Molecular consequence: missense variant.
Genome position (GRCh38, 1-based): chr7:150,951,483, T>C on the plus strand (A>G on the coding strand, the complement: KCNH2 is on the minus strand). VCF-style: chr7-150951483-T-C. GRCh37 (hg19) VCF-style: chr7-150648571-T-C.
Other names: c.1910A>G (LRG_288t1); c.890A>G, p.Glu297Gly (NM_001204798.2, NM_172057.3); c.1622A>G, p.Glu541Gly (NM_001406753.1, NM_001406756.1); c.1733A>G, p.Glu578Gly (NM_001406755.1); c.1610A>G, p.Glu537Gly (NM_001406757.1); c.1910A>G, p.Glu637Gly (NM_172056.3); short protein forms E297G, E637G, E541G, E537G, E578G.
Identifiers: ClinVar variation 67330 (VCV000067330.3), dbSNP rs199472967, ClinGen allele CA005958.

ClinVar aggregate classification (germline): not provided (0 of 4 stars; one submission).

Conditions:
Familial long QT syndrome (RWS). Also called: Congenital long QT syndrome; Romano-Ward syndrome; VENTRICULAR FIBRILLATION WITH PROLONGED QT INTERVAL. Identifiers: Orphanet 768, MedGen C1141890, MONDO:0019171.

Submission:

Cardiovascular Biomedical Research Unit, Royal Brompton & Harefield NHS Foundation Trust
No classification provided. Condition: Familial long QT syndrome. Review status: no classification provided. Collection method: literature only. Allele origin: germline.
Comment: This variant has been reported as associated with Long QT syndrome in the following publications (PMID:21109023). This is a literature report, and does not necessarily reflect the clinical interpretation of the Imperial College / Royal Brompton Cardiovascular Genetics laboratory.

Literature cited by the submitters: PubMed 21109023; PubMed 22581653.